The following is an entry in ClinVar:

ClinVar aggregate classification (germline): Uncertain significance. Review status: criteria provided, multiple submitters, no conflicts (2 of 4 stars). 2 submissions from 2 submitters: Uncertain significance (2). Last evaluated 2025-01-14.

Conditions:
Hereditary cancer-predisposing syndrome. Also called: Hereditary Cancer Syndrome; Neoplastic Syndromes, Hereditary; Tumor predisposition; Hereditary neoplastic syndrome. Identifiers: Orphanet 140162, MedGen C0027672, MeSH D009386, MONDO:0015356.
Bloom syndrome (BLM). Also called: Bloom-Torre-Machacek syndrome. Identifiers: Orphanet 125, MedGen C0005859, MONDO:0008876, OMIM 210900.

Submissions (2):

Ambry Genetics
Classification: Uncertain significance for Hereditary cancer-predisposing syndrome. Last evaluated: 2025-01-14. Review status: criteria provided, single submitter. Criteria: Ambry Variant Classification Scheme 2023. Collection method: clinical testing. Allele origin: germline.
Comment: The p.C878Y variant (also known as c.2633G>A), located in coding exon 12 of the BLM gene, results from a G to A substitution at nucleotide position 2633. The cysteine at codon 878 is replaced by tyrosine, an amino acid with highly dissimilar properties. This amino acid position is conserved. In addition, this alteration is predicted to be deleterious by in silico analysis. Based on the available evidence, the clinical significance of this variant remains unclear.

Labcorp Genetics (formerly Invitae), Labcorp
Classification: Uncertain significance for Bloom syndrome. Last evaluated: 2022-10-14. Review status: criteria provided, single submitter. Criteria: Invitae Variant Classification Sherloc (09022015). Collection method: clinical testing. Allele origin: germline.
Comment: This variant is not present in population databases (gnomAD no frequency). This sequence change replaces cysteine, which is neutral and slightly polar, with tyrosine, which is neutral and polar, at codon 878 of the BLM protein (p.Cys878Tyr). This variant has not been reported in the literature in individuals affected with BLM-related conditions. Advanced modeling of protein sequence and biophysical properties (such as structural, functional, and spatial information, amino acid conservation, physicochemical variation, residue mobility, and thermodynamic stability) performed at Invitae indicates that this missense variant is expected to disrupt BLM protein function. In summary, the available evidence is currently insufficient to determine the role of this variant in disease. Therefore, it has been classified as a Variant of Uncertain Significance.

NM_000057.4(BLM):c.2633G>A (p.Cys878Tyr)

Gene: BLM (BLM RecQ like helicase; plus strand). Cytogenetic location: 15q26.1.
Variant type: single nucleotide variant.
Coding change: c.2633G>A on transcript NM_000057.4 (MANE Select); coding-DNA position 2633, G replaced by A.
Protein change: p.Cys878Tyr; replaces cysteine 878 with tyrosine.
Molecular consequence: missense variant.
Genome position (GRCh38, 1-based): chr15:90,782,899, G>A. VCF-style: chr15-90782899-G-A. GRCh37 (hg19) VCF-style: chr15-91326129-G-A.
Other names: c.2633G>A, p.Cys878Tyr (NM_001287246.2, NM_001287247.2); c.1508G>A, p.Cys503Tyr (NM_001287248.2); short protein forms C503Y, C878Y.
Identifiers: ClinVar variation 2164309 (VCV002164309.5), dbSNP rs966788239, ClinGen allele CA393845761.